The following is an entry in ClinVar:

ClinVar aggregate classification (germline): Pathogenic (1 of 4 stars; one submission).

Conditions:
BAP1-related tumor predisposition syndrome (TPDS1). Also called: COMMON Syndrome; Tumor susceptibility linked to germline BAP1 mutations; TUMOR PREDISPOSITION SYNDROME 1; BAP1 tumor predisposition syndrome. Identifiers: Orphanet 289539, MedGen C3280492, MONDO:0013692, OMIM 614327.

Submission:

Labcorp Genetics (formerly Invitae), Labcorp
Classification: Pathogenic for BAP1-related tumor predisposition syndrome. Last evaluated: 2022-09-23. Review status: criteria provided, single submitter. Criteria: Invitae Variant Classification Sherloc (09022015). Collection method: clinical testing. Allele origin: germline.
Comment: For these reasons, this variant has been classified as Pathogenic. Algorithms developed to predict the effect of sequence changes on RNA splicing suggest that this variant may create or strengthen a splice site. ClinVar contains an entry for this variant (Variation ID: 412451). This premature translational stop signal has been observed in individual(s) with rhabdoid meningiomas (PMID: 28170043). This variant is not present in population databases (gnomAD no frequency). This sequence change creates a premature translational stop signal (p.Tyr173*) in the BAP1 gene. It is expected to result in an absent or disrupted protein product. Loss-of-function variants in BAP1 are known to be pathogenic (PMID: 21874000, 23684012).

Literature cited by the submitters: PubMed 28170043; PubMed 21874000; PubMed 23684012.

NM_004656.4(BAP1):c.519T>G (p.Tyr173Ter)

Gene: BAP1 (BRCA1 associated deubiquitinase 1; minus strand). Cytogenetic location: 3p21.1.
Variant type: single nucleotide variant.
Coding change: c.519T>G on transcript NM_004656.4 (MANE Select); coding-DNA position 519, T replaced by G.
Protein change: p.Tyr173Ter; replaces tyrosine 173 with a stop codon.
Molecular consequence: nonsense.
Genome position (GRCh38, 1-based): chr3:52,407,235, A>C on the plus strand (T>G on the coding strand, the complement: BAP1 is on the minus strand). VCF-style: chr3-52407235-A-C. GRCh37 (hg19) VCF-style: chr3-52441251-A-C.
Other names: short protein forms Y173*.
Identifiers: ClinVar variation 412451 (VCV000412451.8), dbSNP rs143901408, ClinGen allele CA16611351.